The following is an entry in ClinVar:

NM_000155.3(GALT):c.-838_-837dupTT

Gene: GALT (galactose-1-phosphate uridylyltransferase; plus strand). Cytogenetic location: 9p13.3.
Variant type: Duplication.
Coding change: c.-838_-837dupTT on transcript NM_000155.3; 838 bases upstream of the start codon through 837 bases upstream of the start codon, 2 bases duplicated (TT).
Genome position (GRCh38, 1-based): chr9:34,645,867-34,645,868, TT duplicated; duplicating any 2 consecutive bases within chr9:34,645,849-34,645,868 gives the same sequence; the c. name uses the placement nearest the transcript's 3' end. VCF-style (leftmost placement, unchanged base first): chr9-34645848-A-ATT. GRCh37 (hg19) VCF-style: chr9-34645845-A-ATT.
Identifiers: ClinVar variation 1331397 (VCV001331397.3), dbSNP rs549043849, ClinGen allele CA587243222.

ClinVar aggregate classification (germline): Benign (1 of 4 stars; one submission).

Submission:

Women's Health and Genetics/Laboratory Corporation of America, LabCorp
Classification: Benign. Last evaluated: 2021-12-14. Review status: criteria provided, single submitter. Criteria: LabCorp Variant Classification Summary - May 2015. Collection method: clinical testing. Allele origin: germline.
Comment: Variant summary: GALT c.-838_-837dupTT is located in the untranscribed region upstream of the GALT gene region. However, these predictions have yet to be confirmed by functional studies. The variant allele was found at a frequency of 0.063 in 19482 control chromosomes, predominantly at a frequency of 0.08 within the African or African-American subpopulation in the gnomAD database, including 23 homozygotes. The observed variant frequency within African or African-American control individuals in the gnomAD database is approximately 28 fold of the estimated maximal expected allele frequency for a pathogenic variant in GALT causing Galactosemia phenotype (0.0029), strongly suggesting that the variant is a benign polymorphism found primarily in populations of African or African-American origin. To our knowledge, no occurrence of c.-838_-837dupTT in individuals affected with Galactosemia and no experimental evidence demonstrating its impact on protein function have been reported. No clinical diagnostic laboratories have submitted clinical-significance assessments for this variant to ClinVar after 2014. Based on the evidence outlined above, the variant was classified as benign.